The following is an entry in ClinVar:

ClinVar aggregate classification (germline): Uncertain significance (1 of 4 stars; one submission).

Conditions:
Duchenne muscular dystrophy (DMD). Also called: Duchenne Muscular Dystrophy (DMD); MUSCULAR DYSTROPHY, PSEUDOHYPERTROPHIC PROGRESSIVE, DUCHENNE TYPE. Identifiers: Orphanet 98896, MedGen C0013264, MONDO:0010679, OMIM 310200.

Submission:

Labcorp Genetics (formerly Invitae), Labcorp
Classification: Uncertain significance for Duchenne muscular dystrophy. Last evaluated: 2021-08-03. Review status: criteria provided, single submitter. Criteria: Invitae Variant Classification Sherloc (09022015). Collection method: clinical testing. Allele origin: germline.
Comment: In summary, the available evidence is currently insufficient to determine the role of this variant in disease. Therefore, it has been classified as a Variant of Uncertain Significance. Algorithms developed to predict the effect of missense changes on protein structure and function are either unavailable or do not agree on the potential impact of this missense change (SIFT: "Deleterious"; PolyPhen-2: "Benign"; Align-GVGD: "Class C0"). This variant has not been reported in the literature in individuals affected with DMD-related conditions. This variant is not present in population databases (ExAC no frequency). This sequence change replaces glutamine with histidine at codon 1785 of the DMD protein (p.Gln1785His). The glutamine residue is highly conserved and there is a small physicochemical difference between glutamine and histidine.

NM_004006.3(DMD):c.5355G>T (p.Gln1785His)

Gene: DMD (dystrophin; minus strand). Cytogenetic location: Xp21.1.
Variant type: single nucleotide variant.
Coding change: c.5355G>T on transcript NM_004006.3 (MANE Select); coding-DNA position 5355, G replaced by T.
Protein change: p.Gln1785His; replaces glutamine 1785 with histidine.
Molecular consequence: missense variant.
Genome position (GRCh38, 1-based): chrX:32,348,499, C>A on the plus strand (G>T on the coding strand, the complement: DMD is on the minus strand). VCF-style: chrX-32348499-C-A. GRCh37 (hg19) VCF-style: chrX-32366616-C-A.
Other names: c.5331G>T, p.Gln1777His (NM_000109.4); c.5343G>T, p.Gln1781His (NM_004009.3); c.4986G>T, p.Gln1662His (NM_004010.3); c.1332G>T, p.Gln444His (NM_004011.4); c.1323G>T, p.Gln441His (NM_004012.4); short protein forms Q1785H, Q444H, Q1662H, Q1777H, Q1781H, Q441H.
Identifiers: ClinVar variation 1509789 (VCV001509789.6), dbSNP rs2147065441, ClinGen allele CA412668041.